The following is an entry in ClinVar:

NM_000718.4(CACNA1B):c.2637C>G (p.Pro879=)

Gene: CACNA1B (calcium voltage-gated channel subunit alpha1 B; plus strand). Cytogenetic location: 9q34.3.
Variant type: single nucleotide variant.
Coding change: c.2637C>G on transcript NM_000718.4 (MANE Select); coding-DNA position 2637, C replaced by G.
Protein change: p.Pro879=; no amino-acid change (proline 879 retained).
Molecular consequence: synonymous variant.
Genome position (GRCh38, 1-based): chr9:138,023,380, C>G. VCF-style: chr9-138023380-C-G. GRCh37 (hg19) VCF-style: chr9-140917832-C-G.
Other names: c.2637C>G, p.Pro879= (NM_001243812.2).
Identifiers: ClinVar variation 2579085 (VCV002579085.25), dbSNP rs533110359, ClinGen allele CA468162438.
Genomic context (GRCh38, chr9:138,023,380, plus strand): 5'-GACCCCCGCGGCGGGGGACCAGGACCGAGCAGAGGCCCCGAAGGCGGAGAGCGGGGAGCC[C>G]GGTGCCCGGGAGGAGCGGCCGCGGCCGCACCGCAGCCACAGCAAGGAGGCCGCGGGGCCC-3'
Protein context (NP_000709.1, residues 869-889): AEAPKAESGE[Pro879=]GAREERPRPH

ClinVar aggregate classification (germline): Likely benign (1 of 4 stars; one submission).

Submission:

CeGaT Center for Human Genetics Tuebingen
Classification: Likely benign. Last evaluated: 2024-08-01. Review status: criteria provided, single submitter. Criteria: CeGaT Center For Human Genetics Tuebingen Variant Classification Criteria Version 2. Collection method: clinical testing. Allele origin: germline. Affected: yes. Observed: 3 variant alleles.
Comment: CACNA1B: PM2:Supporting, BP4, BP7